The following is an entry in ClinVar:

NM_001127644.2(GABRA1):c.-15-23T>A

Gene: GABRA1 (gamma-aminobutyric acid type A receptor subunit alpha1; plus strand). Cytogenetic location: 5q34.
Variant type: single nucleotide variant.
Coding change: c.-15-23T>A on transcript NM_001127644.2 (MANE Select); 23 bases into the intron before 15 bases upstream of the start codon, T replaced by A.
Molecular consequence: intron variant. On other transcripts: 5 prime UTR variant (1).
Genome position (GRCh38, 1-based): chr5:161,850,773, T>A. VCF-style: chr5-161850773-T-A. GRCh37 (hg19) VCF-style: chr5-161277779-T-A.
Other names: c.-38T>A (NM_001127648.2); c.-15-23T>A (NM_000806.5, NM_001127643.2, NM_001127645.2).
Identifiers: ClinVar variation 507422 (VCV000507422.1), dbSNP rs534129599, ClinGen allele CA3544297.

ClinVar aggregate classification (germline): Likely benign (1 of 4 stars; one submission).

Allele frequency attached by ClinVar (database versions not stated): TOPMed below 0.00001; gnomAD 0.00001 and 0.00004; 1000 Genomes Project 0.00020; 1000 Genomes Project 30x 0.00031.
gnomAD v4.1: 36 of 1,593,670 alleles (0.0023%); highest among the groups gnomAD compares: East Asian, 0.022%; no homozygotes.

Submission:

GeneDx
Classification: Likely benign. Last evaluated: 2017-02-23. Review status: criteria provided, single submitter. Criteria: GeneDx Variant Classification (06012015). Collection method: clinical testing. Allele origin: germline. Affected: yes.
Comment: This variant is considered likely benign or benign based on one or more of the following criteria: it is a conservative change, it occurs at a poorly conserved position in the protein, it is predicted to be benign by multiple in silico algorithms, and/or has population frequency not consistent with disease.